The following is an entry in ClinVar:

ClinVar aggregate classification (germline): Pathogenic (1 of 4 stars; one submission).

Submission:

Labcorp Genetics (formerly Invitae), Labcorp
Classification: Pathogenic. Last evaluated: 2022-10-07. Review status: criteria provided, single submitter. Criteria: Invitae Variant Classification Sherloc (09022015). Collection method: clinical testing. Allele origin: germline.
Comment: A gross deletion of the genomic region encompassing the full coding sequence of the TAB2 gene has been identified. Loss-of-function variants in TAB2 are known to be pathogenic (PMID: 28386937, 31250519). The boundaries of this event are unknown as they extend beyond the assayed region for this gene and therefore may encompass additional genes. Isolated whole-gene deletions of TAB2 have not been reported in the literature. However, larger copy number events that include this gene have been reported (PMID: 25516202, 25940952). For these reasons, this variant has been classified as Pathogenic.

Literature cited by the submitters: PubMed 28386937; PubMed 31250519; PubMed 25516202; PubMed 25940952.

NC_000006.11:g.(?_149691134)_(149730855_?)del

Genes: SUMO4 (small ubiquitin like modifier 4; plus strand), TAB2 (TGF-beta activated kinase 1 (MAP3K7) binding protein 2; plus strand). Cytogenetic location: 6q25.1.
Variant type: Deletion.
Identifiers: ClinVar variation 1460458 (VCV001460458.4).